The following is an entry in ClinVar:

NM_001378457.1(DMXL2):c.5970A>G (p.Glu1990=)

Gene: DMXL2 (Dmx like 2; minus strand). Cytogenetic location: 15q21.2.
Variant type: single nucleotide variant.
Coding change: c.5970A>G on transcript NM_001378457.1 (MANE Select); coding-DNA position 5970, A replaced by G.
Protein change: p.Glu1990=; no amino-acid change (glutamic acid 1990 retained).
Molecular consequence: synonymous variant. On other transcripts: non-coding transcript variant (2).
Genome position (GRCh38, 1-based): chr15:51,481,136, T>C on the plus strand (A>G on the coding strand, the complement: DMXL2 is on the minus strand). VCF-style: chr15-51481136-T-C. GRCh37 (hg19) VCF-style: chr15-51773333-T-C.
Other names: c.5970A>G, p.Glu1990= (NM_001174116.3, NM_001378458.1, NM_001378459.1 and 4 more transcripts); c.4062A>G, p.Glu1354= (NM_001174117.3); c.3951A>G, p.Glu1317= (NM_001378460.1); c.5730A>G, p.Glu1910= (NM_001378464.1).
Identifiers: ClinVar variation 3902262 (VCV003902262.1).

ClinVar aggregate classification (germline): Likely benign (1 of 4 stars; one submission).

gnomAD v4.1: 2 of 1,612,136 alleles (0.00012%); highest among the groups gnomAD compares: African/African-American, 0.0013%; no homozygotes.

Submission:

Women's Health and Genetics/Laboratory Corporation of America, LabCorp
Classification: Likely benign. Last evaluated: 2025-05-13. Review status: criteria provided, single submitter. Criteria: LabCorp Variant Classification Summary - May 2015. Collection method: clinical testing. Allele origin: germline.
Comment: Variant summary: DMXL2 c.5970A>G alters a conserved nucleotide resulting in a synonymous change. Consensus agreement among computation tools predict no significant impact on normal splicing. However, these predictions have yet to be confirmed by functional studies. The variant was absent in 250450 control chromosomes (gnomAD). The available data on variant occurrences in the general population are insufficient to allow any conclusion about variant significance. To our knowledge, no occurrence of c.5970A>G in individuals affected with DMXL2-Related Disorders and no experimental evidence demonstrating its impact on protein function have been reported. No submitters have cited clinical-significance assessments for this variant to ClinVar. Based on the evidence outlined above, the variant was classified as likely benign.